The following is an entry in ClinVar:

NM_000486.6(AQP2):c.805A>G (p.Thr269Ala)

Genes: AQP2 (aquaporin 2; plus strand), AQP5-AS1 (AQP5 and AQP2 antisense RNA 2; minus strand). Cytogenetic location: 12q13.12.
Variant type: single nucleotide variant.
Coding change: c.805A>G on transcript NM_000486.6 (MANE Select); coding-DNA position 805, A replaced by G.
Protein change: p.Thr269Ala; replaces threonine 269 with alanine.
Molecular consequence: missense variant.
Genome position (GRCh38, 1-based): chr12:49,955,597, A>G. VCF-style: chr12-49955597-A-G. GRCh37 (hg19) VCF-style: chr12-50349380-A-G.
Other names: short protein forms T269A.
Identifiers: ClinVar variation 3006408 (VCV003006408.3), dbSNP rs1261913733, ClinGen allele CA384776262.

ClinVar aggregate classification (germline): Uncertain significance (1 of 4 stars; one submission).

Allele frequency attached by ClinVar (database versions not stated): gnomAD exomes 0.00001.
gnomAD v4.1: 3 of 1,568,554 alleles (0.00019%); highest among the groups gnomAD compares: South Asian, 0.0011%; no homozygotes.

Submission:

Labcorp Genetics (formerly Invitae), Labcorp
Classification: Uncertain significance. Last evaluated: 2023-04-18. Review status: criteria provided, single submitter. Criteria: Invitae Variant Classification Sherloc (09022015). Collection method: clinical testing. Allele origin: germline.
Comment: This sequence change replaces threonine, which is neutral and polar, with alanine, which is neutral and non-polar, at codon 269 of the AQP2 protein (p.Thr269Ala). In summary, the available evidence is currently insufficient to determine the role of this variant in disease. Therefore, it has been classified as a Variant of Uncertain Significance. Advanced modeling of protein sequence and biophysical properties (such as structural, functional, and spatial information, amino acid conservation, physicochemical variation, residue mobility, and thermodynamic stability) performed at Invitae indicates that this missense variant is not expected to disrupt AQP2 protein function. This variant has not been reported in the literature in individuals affected with AQP2-related conditions. This variant is present in population databases (no rsID available, gnomAD 0.004%).